The following is an entry in ClinVar:

ClinVar aggregate classification (germline): Likely benign. Review status: criteria provided, multiple submitters, no conflicts (2 of 4 stars). 2 submissions from 2 submitters: Likely benign (2). Last evaluated 2025-12-14.

Conditions:
Chuvash polycythemia. Also called: POLYCYTHEMIA, VHL-DEPENDENT. Identifiers: Orphanet 238557, MedGen C1837915, MONDO:0009892, OMIM 263400.
Von Hippel-Lindau syndrome (VHLS). Also called: von Hippel–Lindau syndrome; Von Hippel-Lindau; VHL syndrome. Identifiers: Orphanet 892, MedGen C0019562, MONDO:0008667, OMIM 193300. Disease mechanism: loss of function.

Submissions (2):

Labcorp Genetics (formerly Invitae), Labcorp
Classification: Likely benign for Von Hippel-Lindau syndrome; Chuvash polycythemia. Last evaluated: 2025-12-14. Review status: criteria provided, single submitter. Criteria: Invitae Variant Classification Sherloc (09022015). Collection method: clinical testing. Allele origin: germline.

All of Us Research Program, National Institutes of Health
Classification: Likely benign for Von Hippel-Lindau syndrome. Last evaluated: 2023-12-18. Review status: criteria provided, single submitter. Criteria: ACMG Guidelines, 2015. Collection method: clinical testing. Allele origin: germline. Inheritance: Autosomal dominant inheritance. Observed: 1 variant allele, 1 heterozygote.
Comment: This study involves interpretation of variants in research participants for the purpose of population health screening. Participant phenotype was not available at the time of variant classification. Additional details can be found in publication PMID: 35346344, PMCID: PMC8962531

NM_000551.4(VHL):c.341-15T>C

Genes: VHL (von Hippel-Lindau tumor suppressor; plus strand), LOC107303340 (3p25 von Hippel-Lindau tumor suppressor, E3 ubiquitin protein ligase Alu-mediated recombination region; plus strand). Cytogenetic location: 3p25.3.
Variant type: single nucleotide variant.
Coding change: c.341-15T>C on transcript NM_000551.4 (MANE Select); 15 bases into the intron before coding-DNA position 341, T replaced by C.
Molecular consequence: intron variant.
Genome position (GRCh38, 1-based): chr3:10,146,499, T>C. VCF-style: chr3-10146499-T-C. GRCh37 (hg19) VCF-style: chr3-10188183-T-C.
Other names: c.*18-3288T>C (NM_001354723.2); c.341-3288T>C (NM_198156.3).
Identifiers: ClinVar variation 1614346 (VCV001614346.9), dbSNP rs2125128176, ClinGen allele CA2573136184.
Genomic context (GRCh38, chr3:10,146,499, plus strand): 5'-GCTGGGATTACAGGTGTGGGCCACCGTGCCCAGCCACCGGTGTGGCTCTTTAACAACCTT[T>C]GCTTGTCCCGATAGGTCACCTTTGGCTCTTCAGAGATGCAGGGACACACGATGGGCTTCT-3'